The following is an entry in ClinVar:

NM_001458.5(FLNC):c.8079T>G (p.Asn2693Lys)

Genes: FLNC (filamin C; plus strand), FLNC-AS1 (FLNC antisense RNA 1; minus strand). Cytogenetic location: 7q32.1.
Variant type: single nucleotide variant.
Coding change: c.8079T>G on transcript NM_001458.5 (MANE Select); coding-DNA position 8079, T replaced by G.
Protein change: p.Asn2693Lys; replaces asparagine 2693 with lysine.
Molecular consequence: missense variant.
Genome position (GRCh38, 1-based): chr7:128,858,424, T>G. VCF-style: chr7-128858424-T-G. GRCh37 (hg19) VCF-style: chr7-128498478-T-G.
Other names: c.7980T>G, p.Asn2660Lys (NM_001127487.2); short protein forms N2660K, N2693K.
Identifiers: ClinVar variation 4812663 (VCV004812663.1).

ClinVar aggregate classification (germline): Uncertain significance (1 of 4 stars; one submission).

Conditions:
Hypertrophic cardiomyopathy 26. Also called: Cardiomyopathy, familial hypertrophic, 26. Identifiers: Orphanet 75249, MedGen C4310749, MONDO:0014883, OMIM 617047.
Myofibrillar myopathy 5. Also called: Filaminopathy (type); FILAMINOPATHY, AUTOSOMAL DOMINANT. Identifiers: Orphanet 171445, MedGen C1836050, MONDO:0012289, OMIM 609524.
Distal myopathy with posterior leg and anterior hand involvement. Also called: WILLIAMS DISTAL MYOPATHY. Identifiers: Orphanet 63273, MedGen C3279722, MONDO:0013550, OMIM 614065.

Submission:

Labcorp Genetics (formerly Invitae), Labcorp
Classification: Uncertain significance for Distal myopathy with posterior leg and anterior hand involvement; Myofibrillar myopathy 5; Hypertrophic cardiomyopathy 26. Last evaluated: 2025-08-13. Review status: criteria provided, single submitter. Criteria: Invitae Variant Classification Sherloc (09022015). Collection method: clinical testing. Allele origin: germline.
Comment: This sequence change replaces asparagine, which is neutral and polar, with lysine, which is basic and polar, at codon 2693 of the FLNC protein (p.Asn2693Lys). This variant is not present in population databases (gnomAD no frequency). This variant has not been reported in the literature in individuals affected with FLNC-related conditions. Invitae Evidence Modeling of protein sequence and biophysical properties (such as structural, functional, and spatial information, amino acid conservation, physicochemical variation, residue mobility, and thermodynamic stability) indicates that this missense variant is not expected to disrupt FLNC protein function with a negative predictive value of 95%. In summary, the available evidence is currently insufficient to determine the role of this variant in disease. Therefore, it has been classified as a Variant of Uncertain Significance.